The following is an entry in ClinVar:

NM_024537.4(CARS2):c.586G>A (p.Asp196Asn)

Gene: CARS2 (cysteinyl-tRNA synthetase 2, mitochondrial; minus strand). Cytogenetic location: 13q34.
Variant type: single nucleotide variant.
Coding change: c.586G>A on transcript NM_024537.4 (MANE Select); coding-DNA position 586, G replaced by A.
Protein change: p.Asp196Asn; replaces aspartic acid 196 with asparagine.
Molecular consequence: missense variant. On other transcripts: 5 prime UTR variant (1), non-coding transcript variant (2).
Genome position (GRCh38, 1-based): chr13:110,683,120, C>T on the plus strand (G>A on the coding strand, the complement: CARS2 is on the minus strand). VCF-style: chr13-110683120-C-T. GRCh37 (hg19) VCF-style: chr13-111335467-C-T.
Other names: c.-201G>A (NM_001352252.2); c.586G>A, p.Asp196Asn (NM_001352253.3); short protein forms D196N.
Identifiers: ClinVar variation 383497 (VCV000383497.13), dbSNP rs140082252, ClinGen allele CA7052156.

ClinVar aggregate classification (germline): Benign. Review status: criteria provided, multiple submitters, no conflicts (2 of 4 stars). 3 submissions from 3 submitters: Benign (3). Last evaluated 2026-01-27.

Conditions:
Combined oxidative phosphorylation defect type 27. Also called: Combined oxidative phosphorylation deficiency 27. Identifiers: Orphanet 477774, MedGen C5567608, MONDO:0014728, OMIM 616672.

Allele frequency attached by ClinVar (database versions not stated): ESP Exome Variant Server 0.00077; gnomAD 0.00087 and 0.00137; TOPMed 0.00096; gnomAD exomes 0.00348; ExAC 0.00373; 1000 Genomes Project 30x 0.00531; 1000 Genomes Project 0.00559.
gnomAD v4.1: 2,807 of 1,595,142 alleles (0.18%); highest among the groups gnomAD compares: South Asian, 1.9%; 53 homozygotes.

Submissions (3):

Labcorp Genetics (formerly Invitae), Labcorp
Classification: Benign for Combined oxidative phosphorylation defect type 27. Last evaluated: 2026-01-27. Review status: criteria provided, single submitter. Criteria: Invitae Variant Classification Sherloc (09022015). Collection method: clinical testing. Allele origin: germline.

GeneDx
Classification: Benign. Last evaluated: 2016-10-05. Review status: criteria provided, single submitter. Criteria: GeneDx Variant Classification (06012015). Collection method: clinical testing. Allele origin: germline. Affected: yes.
Comment: This variant is considered likely benign or benign based on one or more of the following criteria: it is a conservative change, it occurs at a poorly conserved position in the protein, it is predicted to be benign by multiple in silico algorithms, and/or has population frequency not consistent with disease.

Breakthrough Genomics
Classification: Benign. Review status: criteria provided, single submitter. Criteria: ACMG Guidelines, 2015. Collection method: not provided. Allele origin: germline. Inheritance: Autosomal recessive inheritance. Affected: yes.